The following is an entry in ClinVar:

ClinVar aggregate classification (germline): Pathogenic (1 of 4 stars; one submission).

Conditions:
Peroxisome biogenesis disorder. Identifiers: Orphanet 79189, MedGen C1832200, MONDO:0019234. Disease mechanism: loss of function.

Submission:

Myriad Genetics, Inc.
Classification: Pathogenic for Peroxisome biogenesis disorder. Last evaluated: 2024-11-06. Review status: criteria provided, single submitter. Criteria: Myriad Autosomal Dominant, Autosomal Recessive and X-Linked Classification Criteria (2023). Collection method: clinical testing. Allele origin: unknown.
Comment: NM_153818.1(PEX10):c.130G>T(E44*) is expected to be pathogenic in the context of peroxisome biogenesis disorder type 6. This variant is predicted to lead to an abnormal or absent protein product due to the creation of a premature termination codon in PEX10, a gene where loss-of-function variants are known to be pathogenic. Please note: this variant was assessed in the context of healthy population screening.

NM_002617.4(PEX10):c.130G>T (p.Glu44Ter)

Gene: PEX10 (peroxisomal biogenesis factor 10; minus strand). Cytogenetic location: 1p36.32.
Variant type: single nucleotide variant.
Coding change: c.130G>T on transcript NM_002617.4 (MANE Select); coding-DNA position 130, G replaced by T.
Protein change: p.Glu44Ter; replaces glutamic acid 44 with a stop codon.
Molecular consequence: nonsense. On other transcripts: 5 prime UTR variant (2), non-coding transcript variant (1).
Genome position (GRCh38, 1-based): chr1:2,410,434, C>A on the plus strand (G>T on the coding strand, the complement: PEX10 is on the minus strand). VCF-style: chr1-2410434-C-A. GRCh37 (hg19) VCF-style: chr1-2341873-C-A.
Other names: c.130G>T, p.Glu44Ter (NM_001374425.1, NM_153818.2); c.-303G>T (NM_001374426.1, NM_001374427.1); short protein forms E44*.
Identifiers: ClinVar variation 5013710 (VCV005013710.1).